The following is an entry in ClinVar:

ClinVar aggregate classification (germline): Likely benign (1 of 4 stars; one submission).

Allele frequency attached by ClinVar (database versions not stated): ESP Exome Variant Server 0.00038; gnomAD exomes 0.00046; ExAC 0.00051; gnomAD 0.00058; TOPMed 0.00087; 1000 Genomes Project 30x 0.00109; 1000 Genomes Project 0.00120.
gnomAD v4.1: 810 of 1,599,982 alleles (0.051%); highest among the groups gnomAD compares: Middle Eastern, 1.6%; 9 homozygotes.

Submission:

CeGaT Center for Human Genetics Tuebingen
Classification: Likely benign. Last evaluated: 2023-02-01. Review status: criteria provided, single submitter. Criteria: CeGaT Center For Human Genetics Tuebingen Variant Classification Criteria Version 2. Collection method: clinical testing. Allele origin: germline. Affected: yes. Observed: 1 variant allele.
Comment: ARAP2: BP4, BP7, BS2

NM_015230.4(ARAP2):c.4422G>A (p.Val1474=)

Gene: ARAP2 (ArfGAP with RhoGAP domain, ankyrin repeat and PH domain 2; minus strand). Cytogenetic location: 4p14.
Variant type: single nucleotide variant.
Coding change: c.4422G>A on transcript NM_015230.4 (MANE Select); coding-DNA position 4422, G replaced by A.
Protein change: p.Val1474=; no amino-acid change (valine 1474 retained).
Molecular consequence: synonymous variant. On other transcripts: non-coding transcript variant (2).
Genome position (GRCh38, 1-based): chr4:36,091,884, C>T on the plus strand (G>A on the coding strand, the complement: ARAP2 is on the minus strand). VCF-style: chr4-36091884-C-T. GRCh37 (hg19) VCF-style: chr4-36093506-C-T.
Identifiers: ClinVar variation 2654706 (VCV002654706.24), dbSNP rs145513915, ClinGen allele CA2884131.